The following is an entry in ClinVar:

ClinVar aggregate classification (germline): Uncertain significance (1 of 4 stars; one submission).

Conditions:
PKD1-related disorder. Also called: PKD1-related condition.

gnomAD v4.1: 1 of 1,586,778 alleles (0.000063%); highest among the groups gnomAD compares: South Asian, 0.0011%; no homozygotes.

Submission:

PreventionGenetics, part of Exact Sciences
Classification: Uncertain significance for PKD1-related condition. Last evaluated: 2026-09-18. Review status: criteria provided, single submitter. Criteria: ACMG Guidelines, 2015. Collection method: clinical testing. Allele origin: germline.
Comment: The PKD1 c.10411G>A variant is predicted to result in the amino acid substitution p.Asp3471Asn. To our knowledge, this variant has not been reported in the literature or in a large population database (gnomAD), indicating this variant is rare. At this time, the clinical significance of this variant is uncertain due to the absence of conclusive functional and genetic evidence.

NM_001009944.3(PKD1):c.10411G>A (p.Asp3471Asn)

Gene: PKD1 (polycystin 1, transient receptor potential channel interacting; minus strand). Cytogenetic location: 16p13.3.
Variant type: single nucleotide variant.
Coding change: c.10411G>A on transcript NM_001009944.3 (MANE Select); coding-DNA position 10411, G replaced by A.
Protein change: p.Asp3471Asn; replaces aspartic acid 3471 with asparagine.
Molecular consequence: missense variant.
Genome position (GRCh38, 1-based): chr16:2,097,236, C>T on the plus strand (G>A on the coding strand, the complement: PKD1 is on the minus strand). VCF-style: chr16-2097236-C-T. GRCh37 (hg19) VCF-style: chr16-2147237-C-T.
Other names: c.10408G>A, p.Asp3470Asn (NM_000296.4); short protein forms D3470N, D3471N.
Identifiers: ClinVar variation 4996694 (VCV004996694.1).